The following is an entry in ClinVar:

NM_001852.4(COL9A2):c.197del (p.Gly66fs)

Gene: COL9A2 (collagen type IX alpha 2 chain; minus strand). Cytogenetic location: 1p34.2.
Variant type: Deletion.
Coding change: c.197del on transcript NM_001852.4 (MANE Select); coding-DNA position 197, one base deleted (G; older notation c.197delG).
Protein change: p.Gly66fs; shifts the reading frame from glycine 66.
Molecular consequence: frameshift variant.
Genome position (GRCh38, 1-based): chr1:40,314,257, C deleted on the plus strand (G on the coding strand, the reverse complement: COL9A2 is on the minus strand); the first of 3 consecutive C bases (chr1:40,314,257-40,314,259); deleting any one gives the same sequence. VCF-style (leftmost placement, unchanged base first): chr1-40314256-GC-G. GRCh37 (hg19) VCF-style: chr1-40779928-GC-G.
Other names: short protein forms G66fs.
Identifiers: ClinVar variation 2711606 (VCV002711606.3), dbSNP rs2522569884, ClinGen allele CA2697552340.
Genomic context (GRCh38, chr1:40,314,256, plus strand): 5'-GCTACTCACATCAATCCCGGGCTTCCCGTCTGGCCCATCTGGCCCAGCTTTGCCAGGCTC[GC>G]CCTTGGGTCCCTTGAAAACAGAGATGGAACAAACATGAGCCAGAGGAGGGCAAGAGCAGG-3'

ClinVar aggregate classification (germline): Pathogenic (1 of 4 stars; one submission).

Submission:

Labcorp Genetics (formerly Invitae), Labcorp
Classification: Pathogenic. Last evaluated: 2024-01-26. Review status: criteria provided, single submitter. Criteria: Invitae Variant Classification Sherloc (09022015). Collection method: clinical testing. Allele origin: germline.
Comment: This sequence change creates a premature translational stop signal (p.Gly66Alafs*20) in the COL9A2 gene. It is expected to result in an absent or disrupted protein product. Loss-of-function variants in COL9A2 are known to be pathogenic (PMID: 21671392, 33356723). This variant is not present in population databases (gnomAD no frequency). This variant has not been reported in the literature in individuals affected with COL9A2-related conditions. For these reasons, this variant has been classified as Pathogenic.

Literature cited by the submitters: PubMed 21671392; PubMed 33356723.